The following is an entry in ClinVar:

NM_000494.4(COL17A1):c.2495del (p.Pro832fs)

Gene: COL17A1 (collagen type XVII alpha 1 chain; minus strand). Cytogenetic location: 10q25.1.
Variant type: Deletion.
Coding change: c.2495del on transcript NM_000494.4 (MANE Select); coding-DNA position 2495, one base deleted (C; older notation c.2495delC).
Protein change: p.Pro832fs; shifts the reading frame from proline 832.
Molecular consequence: frameshift variant.
Genome position (GRCh38, 1-based): chr10:104,043,521, G deleted on the plus strand (C on the coding strand, the reverse complement: COL17A1 is on the minus strand); the first of 5 consecutive G bases (chr10:104,043,521-104,043,525); deleting any one gives the same sequence. VCF-style (leftmost placement, unchanged base first): chr10-104043520-TG-T. GRCh37 (hg19) VCF-style: chr10-105803278-TG-T.
Other names: short protein forms P832fs.
Identifiers: ClinVar variation 2851536 (VCV002851536.3), dbSNP rs2493307013, ClinGen allele CA2739276031.

ClinVar aggregate classification (germline): Pathogenic (1 of 4 stars; one submission).

Submission:

Labcorp Genetics (formerly Invitae), Labcorp
Classification: Pathogenic. Last evaluated: 2023-04-02. Review status: criteria provided, single submitter. Criteria: Invitae Variant Classification Sherloc (09022015). Collection method: clinical testing. Allele origin: germline.
Comment: For these reasons, this variant has been classified as Pathogenic. This variant has not been reported in the literature in individuals affected with COL17A1-related conditions. This variant is not present in population databases (gnomAD no frequency). This sequence change creates a premature translational stop signal (p.Pro832Glnfs*234) in the COL17A1 gene. It is expected to result in an absent or disrupted protein product. Loss-of-function variants in COL17A1 are known to be pathogenic (PMID: 16473856, 17344927, 20301304, 21357940, 24319098).

Literature cited by the submitters: PubMed 16473856; PubMed 17344927; PubMed 20301304; PubMed 21357940; PubMed 24319098.